The following is an entry in ClinVar:

NM_001258392.3(CLPB):c.766C>T (p.Leu256Phe)

Gene: CLPB (ClpB family mitochondrial disaggregase; minus strand). Cytogenetic location: 11q13.4.
Variant type: single nucleotide variant.
Coding change: c.766C>T on transcript NM_001258392.3 (MANE Select); coding-DNA position 766, C replaced by T.
Protein change: p.Leu256Phe; replaces leucine 256 with phenylalanine.
Molecular consequence: missense variant.
Genome position (GRCh38, 1-based): chr11:72,358,889, G>A on the plus strand (C>T on the coding strand, the complement: CLPB is on the minus strand). VCF-style: chr11-72358889-G-A. GRCh37 (hg19) VCF-style: chr11-72069933-G-A.
Other names: c.679C>T, p.Leu227Phe (NM_001258393.3); c.721C>T, p.Leu241Phe (NM_001258394.3); c.856C>T, p.Leu286Phe (NM_030813.6); short protein forms L227F, L241F, L256F, L286F.
Identifiers: ClinVar variation 2559764 (VCV002559764.4), dbSNP rs774718370, ClinGen allele CA6171409.

ClinVar aggregate classification (germline): Uncertain significance. Review status: criteria provided, multiple submitters, no conflicts (2 of 4 stars). 2 submissions from 2 submitters: Uncertain significance (2). Last evaluated 2024-10-28.

Conditions:
3-methylglutaconic aciduria, type VIIB (MGCA7B). Also called: 3-methylglutaconic aciduria with cataracts, neurologic involvement and neutropenia; 3-methylglutaconic aciduria, type VII, with cataracts, neurologic involvement and neutropenia; CLPB Deficiency. Identifiers: Orphanet 445038, MedGen C5676893, MONDO:0014561, OMIM 616271.
Inborn genetic diseases. Identifiers: MedGen C0950123, MeSH D030342.

Allele frequency attached by ClinVar (database versions not stated): ExAC 0.00001; gnomAD 0.00001.
gnomAD v4.1: 5 of 1,415,768 alleles (0.00035%); highest among the groups gnomAD compares: East Asian, 0.014%; no homozygotes.

Submissions (2):

Labcorp Genetics (formerly Invitae), Labcorp
Classification: Uncertain significance for 3-methylglutaconic aciduria, type VIIB. Last evaluated: 2024-10-28. Review status: criteria provided, single submitter. Criteria: Invitae Variant Classification Sherloc (09022015). Collection method: clinical testing. Allele origin: germline.
Comment: This sequence change replaces leucine, which is neutral and non-polar, with phenylalanine, which is neutral and non-polar, at codon 286 of the CLPB protein (p.Leu286Phe). This variant is present in population databases (rs774718370, gnomAD 0.02%). This variant has not been reported in the literature in individuals affected with CLPB-related conditions. ClinVar contains an entry for this variant (Variation ID: 2559764). An algorithm developed to predict the effect of missense changes on protein structure and function (PolyPhen-2) suggests that this variant is likely to be disruptive. In summary, the available evidence is currently insufficient to determine the role of this variant in disease. Therefore, it has been classified as a Variant of Uncertain Significance.

Ambry Genetics
Classification: Uncertain significance for Inborn genetic diseases. Last evaluated: 2023-06-12. Review status: criteria provided, single submitter. Criteria: Ambry Variant Classification Scheme 2023. Collection method: clinical testing. Allele origin: germline.